The following is an entry in ClinVar:

NM_001273.5(CHD4):c.397_399del (p.Lys133del)

Gene: CHD4 (chromodomain helicase DNA binding protein 4; minus strand). Cytogenetic location: 12p13.31.
Variant type: Deletion.
Coding change: c.397_399del on transcript NM_001273.5 (MANE Select); coding-DNA positions 397 to 399, 3 bases deleted (AAG; older notation c.397_399delAAG).
Protein change: p.Lys133del; deletes lysine 133.
Molecular consequence: inframe deletion.
Genome position (GRCh38, 1-based): chr12:6,601,999-6,602,001, CTT deleted on the plus strand (AAG on the coding strand, the reverse complement: CHD4 is on the minus strand); deleting any 3 consecutive bases within chr12:6,601,999-6,602,002 gives the same sequence; the c. name uses the placement nearest the transcript's 3' end. VCF-style (leftmost placement, unchanged base first): chr12-6601998-CCTT-C. GRCh37 (hg19) VCF-style: chr12-6711164-CCTT-C.
Other names: c.376_378del, p.Lys126del (NM_001297553.2); c.397_399del, p.Lys133del (NM_001363606.2); short protein forms K126del, K133del.
Identifiers: ClinVar variation 2186634 (VCV002186634.4), dbSNP rs763207937, ClinGen allele CA6412529.

ClinVar aggregate classification (germline): Uncertain significance (1 of 4 stars; one submission).

Submission:

Labcorp Genetics (formerly Invitae), Labcorp
Classification: Uncertain significance. Last evaluated: 2022-03-10. Review status: criteria provided, single submitter. Criteria: Invitae Variant Classification Sherloc (09022015). Collection method: clinical testing. Allele origin: germline.
Comment: Experimental studies and prediction algorithms are not available or were not evaluated, and the functional significance of this variant is currently unknown. In summary, the available evidence is currently insufficient to determine the role of this variant in disease. Therefore, it has been classified as a Variant of Uncertain Significance. This variant has not been reported in the literature in individuals affected with CHD4-related conditions. This variant is present in population databases (rs763207937, gnomAD 0.004%). This variant, c.397_399del, results in the deletion of 1 amino acid(s) of the CHD4 protein (p.Lys133del), but otherwise preserves the integrity of the reading frame.